The following is an entry in ClinVar:

ClinVar aggregate classification (germline): Pathogenic (0 of 4 stars; one submission).

Conditions:
Cerebellar ataxia. Identifiers: Orphanet 102002, MedGen C0007758, MONDO:0000437.

Submission:

Vavilov Institute of General Genetics RAS, Laboratory of Evolutional Genomics
Classification: Pathogenic for Cerebellar ataxia. Review status: no assertion criteria provided. Collection method: research. Allele origin: biparental. Inheritance: Autosomal recessive inheritance. Affected: yes.
Comment: Motor development delay, dysarthria, truncal ataxia, coarse discoordination when performing dynamic tests in the hands, cerebellar hypoplasia, and no obvious intellectual disability.

Literature cited by the submitters: PubMed 36675067.

NM_001278064.2(GRM1):c.2471C>G (p.Thr824Arg)

Gene: GRM1 (glutamate metabotropic receptor 1; plus strand). Cytogenetic location: 6q24.3.
Variant type: single nucleotide variant.
Coding change: c.2471C>G on transcript NM_001278064.2 (MANE Select); coding-DNA position 2471, C replaced by G.
Protein change: p.Thr824Arg; replaces threonine 824 with arginine.
Molecular consequence: missense variant.
Genome position (GRCh38, 1-based): chr6:146,399,510, C>G. VCF-style: chr6-146399510-C-G. GRCh37 (hg19) VCF-style: chr6-146720646-C-G.
Other names: c.2471C>G, p.Thr824Arg (NM_001278065.2, NM_001278066.1, NM_001278067.1); short protein forms T824R.
Identifiers: ClinVar variation 2446708 (VCV002446708.2), dbSNP rs2484001104, ClinGen allele CA366195677.